The following is an entry in ClinVar:

ClinVar aggregate classification (germline): Uncertain significance (1 of 4 stars; one submission).

Allele frequency attached by ClinVar (database versions not stated): gnomAD exomes 0.00001; ExAC 0.00003.
gnomAD v4.1: 16 of 1,614,180 alleles (0.00099%); highest among the groups gnomAD compares: South Asian, 0.016%; no homozygotes.

Submission:

Ambry Genetics
Classification: Uncertain significance. Last evaluated: 2024-03-16. Review status: criteria provided, single submitter. Criteria: Ambry Variant Classification Scheme 2023. Collection method: clinical testing. Allele origin: germline.
Comment: The p.H258Y variant (also known as c.772C>T), located in coding exon 1 of the PALLD gene, results from a C to T substitution at nucleotide position 772. The histidine at codon 258 is replaced by tyrosine, an amino acid with similar properties. This amino acid position is conserved. In addition, this alteration is predicted to be tolerated by in silico analysis. Since supporting evidence is limited at this time, the clinical significance of this alteration remains unclear.

NM_001166108.2(PALLD):c.772C>T (p.His258Tyr)

Gene: PALLD (palladin, cytoskeletal associated protein; plus strand). Cytogenetic location: 4q32.3.
Variant type: single nucleotide variant.
Coding change: c.772C>T on transcript NM_001166108.2 (MANE Select); coding-DNA position 772, C replaced by T.
Protein change: p.His258Tyr; replaces histidine 258 with tyrosine.
Molecular consequence: missense variant.
Genome position (GRCh38, 1-based): chr4:168,512,276, C>T. VCF-style: chr4-168512276-C-T. GRCh37 (hg19) VCF-style: chr4-169433427-C-T.
Other names: c.772C>T, p.His258Tyr (NM_016081.4); short protein forms H258Y.
Identifiers: ClinVar variation 1760346 (VCV001760346.2), dbSNP rs779264591, ClinGen allele CA3135432.
Genomic context (GRCh38, chr4:168,512,276, plus strand): 5'-GGGGCCAGGCATTGCTACCAGGACAACCAGGACTTGGCAGTGCCACACAACCGCAAGTCT[C>T]ACCCACAGCCCCACAGCGCCCTCCACTTCCCAGCTGCACCTCGATTCATCCAAAAGCTGA-3'
Protein context (NP_001159580.1, residues 248-268): DLAVPHNRKS[His258Tyr]PQPHSALHFP